The following is an entry in ClinVar:

ClinVar aggregate classification (germline): Likely pathogenic (1 of 4 stars; one submission).

Submission:

Dasa
Classification: Likely pathogenic. Last evaluated: 2024-08-20. Review status: criteria provided, single submitter. Criteria: DASA Assertion Criteria. Collection method: clinical testing. Allele origin: germline.
Comment: NM_016648.4(LARP7):c.339dup (p.Pro114Thrfs*9) is a frameshift variant in LARP7 predicted to alter the reading frame and introduce a premature termination codon and is predicted to result in an absent or altered protein product. Loss of function is an established disease mechanism for LARP7-associated disorders. Also, this variant is absent from population databases. Based on the currently available evidence, this variant is classified as likely pathogenic.

NM_016648.4(LARP7):c.339dup (p.Pro114fs)

Gene: LARP7 (La ribonucleoprotein 7, transcriptional regulator; plus strand). Cytogenetic location: 4q25.
Variant type: Duplication.
Coding change: c.339dup on transcript NM_016648.4 (MANE Select); coding-DNA position 339, one base duplicated (A; older notation c.339dupA).
Protein change: p.Pro114fs; shifts the reading frame from proline 114.
Molecular consequence: frameshift variant.
Genome position (GRCh38, 1-based): chr4:112,646,623, A duplicated; the last of 6 consecutive A bases (chr4:112,646,618-112,646,623); duplicating any one gives the same sequence. VCF-style (leftmost placement, unchanged base first): chr4-112646617-G-GA. GRCh37 (hg19) VCF-style: chr4-113567773-G-GA.
Other names: c.339dup, p.Pro114fs (NM_001267039.4, NM_001370974.1, NM_001370975.1 and 6 more transcripts); c.102dup, p.Pro35fs (NM_001370981.1, NM_001370982.1); short protein forms P114fs, P35fs.
Identifiers: ClinVar variation 4852628 (VCV004852628.2).